The following is an entry in ClinVar:

NM_014687.4(RUBCN):c.2051G>A (p.Arg684Gln)

Gene: RUBCN (rubicon autophagy regulator; minus strand). Cytogenetic location: 3q29.
Variant type: single nucleotide variant.
Coding change: c.2051G>A on transcript NM_014687.4 (MANE Select); coding-DNA position 2051, G replaced by A.
Protein change: p.Arg684Gln; replaces arginine 684 with glutamine.
Molecular consequence: missense variant.
Genome position (GRCh38, 1-based): chr3:197,682,545, C>T on the plus strand (G>A on the coding strand, the complement: RUBCN is on the minus strand). VCF-style: chr3-197682545-C-T. GRCh37 (hg19) VCF-style: chr3-197409416-C-T.
Other names: p.Arg639Gln; c.1916G>A, p.Arg639Gln (NM_001145642.5); c.2168G>A, p.Arg723Gln (NM_001346873.2); short protein forms R684Q, R723Q, R639Q.
Identifiers: ClinVar variation 4540965 (VCV004540965.1).

ClinVar aggregate classification (germline): Uncertain significance (1 of 4 stars; one submission).

gnomAD v4.1: 120 of 1,613,950 alleles (0.0074%); highest among the groups gnomAD compares: Middle Eastern, 0.016%; no homozygotes.

Submission:

Mayo Clinic Laboratories, Mayo Clinic
Classification: Uncertain significance. Last evaluated: 2025-10-15. Review status: criteria provided, single submitter. Criteria: ACMG Guidelines, 2015. Collection method: clinical testing. Allele origin: germline. Observed: 1 variant allele.
Comment: BP4